The following is an entry in ClinVar:

NM_006231.4(POLE):c.1716G>T (p.Gln572His)

Gene: POLE (DNA polymerase epsilon, catalytic subunit; minus strand). Cytogenetic location: 12q24.33.
Variant type: single nucleotide variant.
Coding change: c.1716G>T on transcript NM_006231.4 (MANE Select); coding-DNA position 1716, G replaced by T.
Protein change: p.Gln572His; replaces glutamine 572 with histidine.
Molecular consequence: missense variant.
Genome position (GRCh38, 1-based): chr12:132,672,293, C>A on the plus strand (G>T on the coding strand, the complement: POLE is on the minus strand). VCF-style: chr12-132672293-C-A. GRCh37 (hg19) VCF-style: chr12-133248879-C-A.
Other names: c.1716G>T (NM_006231.2); short protein forms Q572H.
Identifiers: ClinVar variation 1503994 (VCV001503994.7), dbSNP rs2135990955, ClinGen allele CA387356366.
Genomic context (GRCh38, chr12:132,672,293, plus strand): 5'-TTGCTCCACAGGCACTTTCTCCTCTTCCTCAAGGGCGTGGCGCAAGGTCTTCTCAACCCG[C>A]TGCAGCAGGAAGTCAAAGGCGGCAGGATTCTAGCACAACAGTGAGACGACGGGGTCAGAG-3'
Protein context (NP_006222.2, residues 562-582): MNPAAFDFLL[Gln572His]RVEKTLRHAL

ClinVar aggregate classification (germline): Uncertain significance. Review status: criteria provided, multiple submitters, no conflicts (2 of 4 stars). 2 submissions from 2 submitters: Uncertain significance (2). Last evaluated 2024-07-03.

Conditions:
Hereditary cancer-predisposing syndrome. Also called: Hereditary neoplastic syndrome; Tumor predisposition; Neoplastic Syndromes, Hereditary; Hereditary Cancer Syndrome. Identifiers: Orphanet 140162, MedGen C0027672, MeSH D009386, MONDO:0015356.

Submissions (2):

Ambry Genetics
Classification: Uncertain significance for Hereditary cancer-predisposing syndrome. Last evaluated: 2024-07-03. Review status: criteria provided, single submitter. Criteria: Ambry Variant Classification Scheme 2023. Collection method: clinical testing. Allele origin: germline.
Comment: The p.Q572H variant (also known as c.1716G>T), located in coding exon 16 of the POLE gene, results from a G to T substitution at nucleotide position 1716. The glutamine at codon 572 is replaced by histidine, an amino acid with highly similar properties. This amino acid position is conserved. In addition, this alteration is predicted to be tolerated by in silico analysis. Based on the available evidence, the clinical significance of this variant remains unclear.

Labcorp Genetics (formerly Invitae), Labcorp
Classification: Uncertain significance. Last evaluated: 2024-04-16. Review status: criteria provided, single submitter. Criteria: Invitae Variant Classification Sherloc (09022015). Collection method: clinical testing. Allele origin: germline.
Comment: This sequence change replaces glutamine, which is neutral and polar, with histidine, which is basic and polar, at codon 572 of the POLE protein (p.Gln572His). This variant is not present in population databases (gnomAD no frequency). This variant has not been reported in the literature in individuals affected with POLE-related conditions. ClinVar contains an entry for this variant (Variation ID: 1503994). Advanced modeling of protein sequence and biophysical properties (such as structural, functional, and spatial information, amino acid conservation, physicochemical variation, residue mobility, and thermodynamic stability) performed at Invitae indicates that this missense variant is not expected to disrupt POLE protein function with a negative predictive value of 80%. In summary, the available evidence is currently insufficient to determine the role of this variant in disease. Therefore, it has been classified as a Variant of Uncertain Significance.